The following is an entry in ClinVar:

ClinVar aggregate classification (germline): Uncertain significance (1 of 4 stars; one submission).

gnomAD v4.1: 1 of 1,586,654 alleles (0.000063%); highest among the groups gnomAD compares: Non-Finnish European, 0.000086%; no homozygotes.

Submission:

Labcorp Genetics (formerly Invitae), Labcorp
Classification: Uncertain significance. Last evaluated: 2025-06-23. Review status: criteria provided, single submitter. Criteria: Invitae Variant Classification Sherloc (09022015). Collection method: clinical testing. Allele origin: germline.
Comment: This sequence change replaces valine, which is neutral and non-polar, with methionine, which is neutral and non-polar, at codon 838 of the RIMS1 protein (p.Val838Met). This variant is not present in population databases (gnomAD no frequency). This variant has not been reported in the literature in individuals affected with RIMS1-related conditions. An algorithm developed to predict the effect of missense changes on protein structure and function (PolyPhen-2) suggests that this variant is likely to be disruptive. In summary, the available evidence is currently insufficient to determine the role of this variant in disease. Therefore, it has been classified as a Variant of Uncertain Significance.

NM_014989.7(RIMS1):c.2512G>A (p.Val838Met)

Gene: RIMS1 (regulating synaptic membrane exocytosis 1; plus strand). Cytogenetic location: 6q13.
Variant type: single nucleotide variant.
Coding change: c.2512G>A on transcript NM_014989.7 (MANE Select); coding-DNA position 2512, G replaced by A.
Protein change: p.Val838Met; replaces valine 838 with methionine.
Molecular consequence: missense variant.
Genome position (GRCh38, 1-based): chr6:72,251,060, G>A. VCF-style: chr6-72251060-G-A. GRCh37 (hg19) VCF-style: chr6-72960763-G-A.
Other names: c.934G>A, p.Val312Met (NM_001168407.2, NM_001168408.2, NM_001350414.2 and 37 more transcripts); c.691G>A, p.Val231Met (NM_001168409.2, NM_001350461.2, NM_001350463.2 and 6 more transcripts); c.889G>A, p.Val297Met (NM_001168410.2, NM_001350470.2, NM_001350472.2 and 2 more transcripts); c.865G>A, p.Val289Met (NM_001350421.2, NM_001350424.2, NM_001350428.2 and 6 more transcripts); short protein forms V231M, V289M, V297M, V312M, V838M.
Identifiers: ClinVar variation 4809298 (VCV004809298.1).